The following is an entry in ClinVar:

NM_000784.4(CYP27A1):c.1184+1G>C

Gene: CYP27A1 (cytochrome P450 family 27 subfamily A member 1; plus strand). Cytogenetic location: 2q35.
Variant type: single nucleotide variant.
Coding change: c.1184+1G>C on transcript NM_000784.4 (MANE Select); the canonical splice donor site of the intron after coding-DNA position 1184, G replaced by C.
Molecular consequence: splice donor variant.
Genome position (GRCh38, 1-based): chr2:218,814,188, G>C. VCF-style: chr2-218814188-G-C. GRCh37 (hg19) VCF-style: chr2-219678911-G-C.
Identifiers: ClinVar variation 1456553 (VCV001456553.7), dbSNP rs587778777, ClinGen allele CA350592814.
Genomic context (GRCh38, chr2:218,814,188, plus strand): 5'-CCAGCACAAGGACTTTGCCCACATGCCGTTGCTCAAAGCTGTGCTTAAGGAGACTCTGCG[G>C]TAGGACAGAATGCTGTTCTGGGGGGCACAGGATCTCTTTGTGGGGAGGGAATCAGAGGAG-3'

ClinVar aggregate classification (germline): Pathogenic. Review status: criteria provided, multiple submitters, no conflicts (2 of 4 stars). 2 submissions from 2 submitters: Pathogenic (2). Last evaluated 2025-07-22.

Conditions:
Cholestanol storage disease (CTX). Also called: Cerebrotendinous Xanthomatosis; CTX: Cerebrotendinous xanthomatosis; CEREBRAL CHOLESTERINOSIS. Identifiers: Orphanet 909, MedGen C0238052, MONDO:0008948, OMIM 213700.

Submissions (2):

Myriad Genetics, Inc.
Classification: Pathogenic for Cholestanol storage disease. Last evaluated: 2025-07-22. Review status: criteria provided, single submitter. Criteria: Myriad Autosomal Dominant, Autosomal Recessive and X-Linked Classification Criteria (2023). Collection method: clinical testing. Allele origin: unknown.
Comment: NM_000784.3(CYP27A1):c.1184+1G>C is a variant in a canonical splice site classified as pathogenic in the context of cerebrotendinous xanthomatosis. c.1184+1G>C has not been observed in cases with relevant disease. Relevant functional assessments of this variant are not available in the literature. c.1184+1G>C has not been observed in referenced population frequency databases. In summary, NM_000784.3(CYP27A1):c.1184+1G>C is a variant in a canonical splice site in a gene where loss of function is a known mechanism of disease, is predicted to disrupt protein function, and has been observed more frequently in cases with the relevant disease than in healthy populations. Please note: this variant was assessed in the context of healthy population screening.

Labcorp Genetics (formerly Invitae), Labcorp
Classification: Pathogenic for Cholestanol storage disease. Last evaluated: 2025-03-24. Review status: criteria provided, single submitter. Criteria: Invitae Variant Classification Sherloc (09022015). Collection method: clinical testing. Allele origin: germline.
Comment: This sequence change affects a donor splice site in intron 6 of the CYP27A1 gene. It is expected to disrupt RNA splicing. Variants that disrupt the donor or acceptor splice site typically lead to a loss of protein function (PMID: 16199547), and loss-of-function variants in CYP27A1 are known to be pathogenic (PMID: 9392430, 10775536, 26937392). This variant is not present in population databases (gnomAD no frequency). Disruption of this splice site has been observed in individual(s) with cerebrotendinous xanthomatosis (PMID: 28894950, 33400472). It has also been observed to segregate with disease in related individuals. ClinVar contains an entry for this variant (Variation ID: 1456553). Algorithms developed to predict the effect of sequence changes on RNA splicing suggest that this variant may disrupt the consensus splice site. For these reasons, this variant has been classified as Pathogenic.

Literature cited by the submitters: PubMed 16199547 (cited by Labcorp Genetics (formerly Invitae), Labcorp); PubMed 9392430 (cited by Labcorp Genetics (formerly Invitae), Labcorp); PubMed 10775536 (cited by Labcorp Genetics (formerly Invitae), Labcorp); PubMed 26937392 (cited by Labcorp Genetics (formerly Invitae), Labcorp); PubMed 28894950 (cited by Labcorp Genetics (formerly Invitae), Labcorp); PubMed 33400472 (cited by Labcorp Genetics (formerly Invitae), Labcorp).